The following is an entry in ClinVar:

NM_000400.4(ERCC2):c.1066G>A (p.Ala356Thr)

Gene: ERCC2 (ERCC excision repair 2, TFIIH core complex helicase subunit; minus strand). Cytogenetic location: 19q13.32.
Variant type: single nucleotide variant.
Coding change: c.1066G>A on transcript NM_000400.4 (MANE Select); coding-DNA position 1066, G replaced by A.
Protein change: p.Ala356Thr; replaces alanine 356 with threonine.
Molecular consequence: missense variant.
Genome position (GRCh38, 1-based): chr19:45,363,795, C>T on the plus strand (G>A on the coding strand, the complement: ERCC2 is on the minus strand). VCF-style: chr19-45363795-C-T. GRCh37 (hg19) VCF-style: chr19-45867053-C-T.
Other names: c.994G>A, p.Ala332Thr (NM_001130867.2); short protein forms A332T, A356T.
Identifiers: ClinVar variation 1781970 (VCV001781970.2), dbSNP rs1285451320, ClinGen allele CA406372338.
Genomic context (GRCh38, chr19:45,363,795, plus strand): 5'-GGCCGCACCTGAGGGGCTTGCGCTGGATGCACACGCGCTGGGCCAGGCCGCTCAGGAAGG[C>T]GGGCGGGCTCTCCTGCACCACATGCTGCACACGCAGCCGCCACTTCACGTACTCCAGCAG-3'
Protein context (NP_000391.1, residues 346-366): VQHVVQESPP[Ala356Thr]FLSGLAQRVC

ClinVar aggregate classification (germline): Uncertain significance (1 of 4 stars; one submission).

Conditions:
Inborn genetic diseases. Identifiers: MedGen C0950123, MeSH D030342.

Submission:

Ambry Genetics
Classification: Uncertain significance for Inborn genetic diseases. Last evaluated: 2022-06-24. Review status: criteria provided, single submitter. Criteria: Ambry Variant Classification Scheme 2023. Collection method: clinical testing. Allele origin: germline.
Comment: The p.A356T variant (also known as c.1066G>A), located in coding exon 11 of the ERCC2 gene, results from a G to A substitution at nucleotide position 1066. The alanine at codon 356 is replaced by threonine, an amino acid with similar properties. This amino acid position is conserved. In addition, this alteration is predicted to be tolerated by in silico analysis. Since supporting evidence is limited at this time, the clinical significance of this alteration remains unclear.